The following is an entry in ClinVar:

ClinVar aggregate classification (germline): Uncertain significance. Review status: criteria provided, multiple submitters, no conflicts (2 of 4 stars). 2 submissions from 2 submitters: Uncertain significance (2). Last evaluated 2023-01-23.

Conditions:
Hereditary cancer-predisposing syndrome. Also called: Neoplastic Syndromes, Hereditary; Tumor predisposition; Hereditary Cancer Syndrome; Hereditary neoplastic syndrome. Identifiers: Orphanet 140162, MedGen C0027672, MeSH D009386, MONDO:0015356.

Allele frequency attached by ClinVar (database versions not stated): TOPMed below 0.00001.

Submissions (2):

Color Diagnostics, LLC DBA Color Health
Classification: Uncertain significance for Hereditary cancer-predisposing syndrome. Last evaluated: 2023-01-23. Review status: criteria provided, single submitter. Criteria: ACMG Guidelines, 2015. Collection method: clinical testing. Allele origin: germline.
Comment: This missense variant replaces isoleucine with arginine at codon 2315 of the BRCA2 protein. Computational prediction suggests that this variant may not impact protein structure and function (internally defined REVEL score threshold <= 0.5, PMID: 27666373). To our knowledge, functional studies have not been reported for this variant. This variant has not been reported in individuals affected with BRCA2-related disorders in the literature. This variant has not been identified in the general population by the Genome Aggregation Database (gnomAD). The available evidence is insufficient to determine the role of this variant in disease conclusively. Therefore, this variant is classified as a Variant of Uncertain Significance.

Ambry Genetics
Classification: Uncertain significance for Hereditary cancer-predisposing syndrome. Last evaluated: 2022-05-04. Review status: criteria provided, single submitter. Criteria: Ambry Variant Classification Scheme 2023. Collection method: clinical testing. Allele origin: germline.
Comment: The p.I2315R variant (also known as c.6944T>G), located in coding exon 12 of the BRCA2 gene, results from a T to G substitution at nucleotide position 6944. The isoleucine at codon 2315 is replaced by arginine, an amino acid with similar properties. This amino acid position is conserved. In addition, the in silico prediction for this alteration is inconclusive. Since supporting evidence is limited at this time, the clinical significance of this alteration remains unclear.

NM_000059.4(BRCA2):c.6944T>G (p.Ile2315Arg)

Gene: BRCA2 (BRCA2 DNA repair associated; plus strand). Cytogenetic location: 13q13.1.
Variant type: single nucleotide variant.
Coding change: c.6944T>G on transcript NM_000059.4 (MANE Select); coding-DNA position 6944, T replaced by G.
Protein change: p.Ile2315Arg; replaces isoleucine 2315 with arginine.
Molecular consequence: missense variant.
Genome position (GRCh38, 1-based): chr13:32,346,833, T>G. VCF-style: chr13-32346833-T-G. GRCh37 (hg19) VCF-style: chr13-32920970-T-G.
Other names: c.6848T>G, p.Ile2283Arg (NM_001406719.1); c.6944T>G, p.Ile2315Arg (NM_001406720.1); c.2012T>G, p.Ile671Arg (NM_001406721.1); c.527T>G, p.Ile176Arg (NM_001406722.1); short protein forms I671R, I176R, I2283R, I2315R.
Identifiers: ClinVar variation 1756267 (VCV001756267.4), dbSNP rs2072613986, ClinGen allele CA387792977.